The following is an entry in ClinVar:

NM_000135.4(FANCA):c.1098G>C (p.Leu366=)

Gene: FANCA (FA complementation group A; minus strand). Cytogenetic location: 16q24.3.
Variant type: single nucleotide variant.
Coding change: c.1098G>C on transcript NM_000135.4 (MANE Select); coding-DNA position 1098, G replaced by C.
Protein change: p.Leu366=; no amino-acid change (leucine 366 retained).
Molecular consequence: synonymous variant.
Genome position (GRCh38, 1-based): chr16:89,792,054, C>G on the plus strand (G>C on the coding strand, the complement: FANCA is on the minus strand). VCF-style: chr16-89792054-C-G. GRCh37 (hg19) VCF-style: chr16-89858462-C-G.
Other names: c.1098G>C, p.Leu366= (NM_001286167.3).
Identifiers: ClinVar variation 2149242 (VCV002149242.4), dbSNP rs1598152908, ClinGen allele CA497192706.
Genomic context (GRCh38, chr16:89,792,054, plus strand): 5'-CCAGTGAACCTCCTGCGTTTCCAGAACTTCTTGCAAATGGCCAACCAACTCCTCTGCACT[C>G]AGCATCACAAAGAGCTGAAATAAAAGCATCCGCTCCCTTCAATATCCAAGCAAACCAATG-3'
Protein context (NP_000126.2, residues 356-376): TSLYRRLFVM[Leu366=]SAEELVGHLQ

ClinVar aggregate classification (germline): Uncertain significance (1 of 4 stars; one submission).

Conditions:
Fanconi anemia (FA). Also called: Fanconi's anemia. Identifiers: Orphanet 84, MedGen C0015625, MeSH D005199, MONDO:0019391.

Submission:

Labcorp Genetics (formerly Invitae), Labcorp
Classification: Uncertain significance for Fanconi anemia. Last evaluated: 2022-04-10. Review status: criteria provided, single submitter. Criteria: Invitae Variant Classification Sherloc (09022015). Collection method: clinical testing. Allele origin: germline.
Comment: This sequence change affects codon 366 of the FANCA mRNA. It is a 'silent' change, meaning that it does not change the encoded amino acid sequence of the FANCA protein. In summary, the available evidence is currently insufficient to determine the role of this variant in disease. Therefore, it has been classified as a Variant of Uncertain Significance. Algorithms developed to predict the effect of sequence changes on RNA splicing suggest that this variant may create or strengthen a splice site. This variant has not been reported in the literature in individuals affected with FANCA-related conditions. This variant is not present in population databases (gnomAD no frequency).